The following is an entry in ClinVar:

ClinVar aggregate classification (germline): Uncertain significance. Review status: criteria provided, multiple submitters, no conflicts (2 of 4 stars). 3 submissions from 3 submitters: Uncertain significance (3). Last evaluated 2025-08-29.

Conditions:
Inborn genetic diseases. Identifiers: MedGen C0950123, MeSH D030342.

Allele frequency attached by ClinVar (database versions not stated): ExAC 0.00002; gnomAD 0.00003; gnomAD exomes 0.00004; TOPMed 0.00005; ESP Exome Variant Server 0.00008.
gnomAD v4.1: 194 of 1,614,058 alleles (0.012%); highest among the groups gnomAD compares: Non-Finnish European, 0.016%; no homozygotes.

Submissions (3):

Ambry Genetics
Classification: Uncertain significance for Inborn genetic diseases. Last evaluated: 2025-08-29. Review status: criteria provided, single submitter. Criteria: Ambry Variant Classification Scheme 2023. Collection method: clinical testing. Allele origin: germline.

Labcorp Genetics (formerly Invitae), Labcorp
Classification: Uncertain significance. Last evaluated: 2022-05-12. Review status: criteria provided, single submitter. Criteria: Invitae Variant Classification Sherloc (09022015). Collection method: clinical testing. Allele origin: germline.
Comment: This sequence change replaces arginine, which is basic and polar, with histidine, which is basic and polar, at codon 256 of the VPS33B protein (p.Arg256His). This variant is present in population databases (rs375557658, gnomAD 0.006%). This variant has not been reported in the literature in individuals affected with VPS33B-related conditions. ClinVar contains an entry for this variant (Variation ID: 1298638). Algorithms developed to predict the effect of missense changes on protein structure and function are either unavailable or do not agree on the potential impact of this missense change (SIFT: "Not Available"; PolyPhen-2: "Probably Damaging"; Align-GVGD: "Not Available"). In summary, the available evidence is currently insufficient to determine the role of this variant in disease. Therefore, it has been classified as a Variant of Uncertain Significance.

CeGaT Center for Human Genetics Tuebingen
Classification: Uncertain significance. Last evaluated: 2021-09-01. Review status: criteria provided, single submitter. Criteria: CeGaT Center For Human Genetics Tuebingen Variant Classification Criteria Version 2. Collection method: clinical testing. Allele origin: germline. Affected: yes. Observed: 1 variant allele.

NM_018668.5(VPS33B):c.767G>A (p.Arg256His)

Gene: VPS33B (VPS33B late endosome and lysosome associated; minus strand). Cytogenetic location: 15q26.1.
Variant type: single nucleotide variant.
Coding change: c.767G>A on transcript NM_018668.5 (MANE Select); coding-DNA position 767, G replaced by A.
Protein change: p.Arg256His; replaces arginine 256 with histidine.
Molecular consequence: missense variant.
Genome position (GRCh38, 1-based): chr15:91,006,663, C>T on the plus strand (G>A on the coding strand, the complement: VPS33B is on the minus strand). VCF-style: chr15-91006663-C-T. GRCh37 (hg19) VCF-style: chr15-91549893-C-T.
Other names: c.686G>A, p.Arg229His (NM_001289148.1); c.494G>A, p.Arg165His (NM_001289149.1); c.767G>A (NM_018668.3); short protein forms R165H, R229H, R256H.
Identifiers: ClinVar variation 1298638 (VCV001298638.40), dbSNP rs375557658, ClinGen allele CA7744925.